The following is an entry in ClinVar:

NM_025132.4(WDR19):c.427A>T (p.Thr143Ser)

Gene: WDR19 (WD repeat domain 19; plus strand). Cytogenetic location: 4p14.
Variant type: single nucleotide variant.
Coding change: c.427A>T on transcript NM_025132.4 (MANE Select); coding-DNA position 427, A replaced by T.
Protein change: p.Thr143Ser; replaces threonine 143 with serine.
Molecular consequence: missense variant. On other transcripts: 5 prime UTR variant (1).
Genome position (GRCh38, 1-based): chr4:39,199,498, A>T. VCF-style: chr4-39199498-A-T. GRCh37 (hg19) VCF-style: chr4-39201118-A-T.
Other names: c.-54A>T (NM_001317924.2); short protein forms T143S.
Identifiers: ClinVar variation 1373533 (VCV001373533.10), dbSNP rs1300821144, ClinGen allele CA356632312.

ClinVar aggregate classification (germline): Uncertain significance. Review status: criteria provided, multiple submitters, no conflicts (2 of 4 stars). 3 submissions from 3 submitters: Uncertain significance (3). Last evaluated 2024-04-04.

Conditions:
Asphyxiating thoracic dystrophy 5 (SRTD5). Also called: SHORT-RIB THORACIC DYSPLASIA 5 WITHOUT POLYDACTYLY; SHORT-RIB THORACIC DYSPLASIA 5 WITH OR WITHOUT POLYDACTYLY. Identifiers: Orphanet 474, MedGen C3280598, MONDO:0013717, OMIM 614376.
Nephronophthisis 13 (NPHP13). Identifiers: Orphanet 655, MedGen C3280612, MONDO:0013718, OMIM 614377.
Cranioectodermal dysplasia 4 (CED4). Identifiers: Orphanet 1515, MedGen C3280616, MONDO:0013719, OMIM 614378.
Spermatogenic failure 72 (SPGF72). Identifiers: MedGen C5676980, MONDO:0030809, OMIM 619867.
Senior-Loken syndrome 8 (SLSN8). Identifiers: Orphanet 3156, MedGen C4225376, MONDO:0014579, OMIM 616307.

Allele frequency attached by ClinVar (database versions not stated): gnomAD exomes 0.00001; gnomAD 0.00003 and 0.00004; TOPMed 0.00006.
gnomAD v4.1: 13 of 1,612,600 alleles (0.00081%); highest among the groups gnomAD compares: African/African-American, 0.016%; no homozygotes.

Submissions (3):

Fulgent Genetics
Classification: Uncertain significance for Asphyxiating thoracic dystrophy 5; Nephronophthisis 13; Cranioectodermal dysplasia 4; Senior-Loken syndrome 8; Spermatogenic failure 72. Last evaluated: 2024-04-04. Review status: criteria provided, single submitter. Criteria: ACMG Guidelines, 2015. Collection method: clinical testing. Allele origin: germline.

Blueprint Genetics
Classification: Uncertain significance. Last evaluated: 2022-10-26. Review status: criteria provided, single submitter. Criteria: ACMG Guidelines, 2015. Collection method: clinical testing. Allele origin: germline.

Labcorp Genetics (formerly Invitae), Labcorp
Classification: Uncertain significance for Senior-Loken syndrome 8; Asphyxiating thoracic dystrophy 5. Last evaluated: 2022-02-05. Review status: criteria provided, single submitter. Criteria: Invitae Variant Classification Sherloc (09022015). Collection method: clinical testing. Allele origin: germline.
Comment: This sequence change replaces threonine, which is neutral and polar, with serine, which is neutral and polar, at codon 143 of the WDR19 protein (p.Thr143Ser). This variant is present in population databases (no rsID available, gnomAD 0.02%). This variant has not been reported in the literature in individuals affected with WDR19-related conditions. Algorithms developed to predict the effect of missense changes on protein structure and function are either unavailable or do not agree on the potential impact of this missense change (SIFT: "Deleterious"; PolyPhen-2: "Benign"; Align-GVGD: "Class C55"). In summary, the available evidence is currently insufficient to determine the role of this variant in disease. Therefore, it has been classified as a Variant of Uncertain Significance.